The following is an entry in ClinVar:

NM_205836.3(FBXO38):c.3315C>T (p.Phe1105=)

Gene: FBXO38 (F-box protein 38; plus strand). Cytogenetic location: 5q32.
Variant type: single nucleotide variant.
Coding change: c.3315C>T on transcript NM_205836.3 (MANE Select); coding-DNA position 3315, C replaced by T.
Protein change: p.Phe1105=; no amino-acid change (phenylalanine 1105 retained).
Molecular consequence: synonymous variant.
Genome position (GRCh38, 1-based): chr5:148,441,164, C>T. VCF-style: chr5-148441164-C-T. GRCh37 (hg19) VCF-style: chr5-147820727-C-T.
Other names: c.2580C>T, p.Phe860= (NM_001271723.2); c.3090C>T, p.Phe1030= (NM_030793.5).
Identifiers: ClinVar variation 707801 (VCV000707801.10), dbSNP rs552366782, ClinGen allele CA3497724.

ClinVar aggregate classification (germline): Likely benign. Review status: criteria provided, multiple submitters, no conflicts (2 of 4 stars). 2 submissions from 2 submitters: Likely benign (2). Last evaluated 2025-07-03.

Conditions:
Distal hereditary motor neuropathy type 2. Identifiers: Orphanet 139525, MedGen C3711384, MeSH C580044, MONDO:0015352.
FBXO38-related disorder. Also called: FBXO38-related condition.

Allele frequency attached by ClinVar (database versions not stated): ExAC 0.00002; gnomAD exomes 0.00003; TOPMed 0.00003; gnomAD 0.00005 and 0.00006.
gnomAD v4.1: 54 of 1,613,932 alleles (0.0033%); highest among the groups gnomAD compares: Non-Finnish European, 0.0045%; no homozygotes.

Submissions (2):

PreventionGenetics, part of Exact Sciences
Classification: Likely benign for FBXO38-related condition. Last evaluated: 2025-07-03. Review status: criteria provided, single submitter. Criteria: ACMG Guidelines, 2015. Collection method: clinical testing. Allele origin: germline.
Comment: This variant is classified as likely benign based on ACMG/AMP sequence variant interpretation guidelines (Richards et al. 2015 PMID: 25741868, with internal and published modifications).

Labcorp Genetics (formerly Invitae), Labcorp
Classification: Likely benign for Distal hereditary motor neuropathy type 2. Last evaluated: 2024-10-09. Review status: criteria provided, single submitter. Criteria: Invitae Variant Classification Sherloc (09022015). Collection method: clinical testing. Allele origin: germline.